The following is an entry in ClinVar:

NM_000195.5(HPS1):c.1395G>A (p.Trp465Ter)

Gene: HPS1 (HPS1 biogenesis of lysosomal organelles complex 3 subunit 1; minus strand). Cytogenetic location: 10q24.2.
Variant type: single nucleotide variant.
Coding change: c.1395G>A on transcript NM_000195.5 (MANE Select); coding-DNA position 1395, G replaced by A.
Protein change: p.Trp465Ter; replaces tryptophan 465 with a stop codon.
Molecular consequence: nonsense.
Genome position (GRCh38, 1-based): chr10:98,424,315, C>T on the plus strand (G>A on the coding strand, the complement: HPS1 is on the minus strand). VCF-style: chr10-98424315-C-T. GRCh37 (hg19) VCF-style: chr10-100184072-C-T.
Other names: c.423G>A, p.Trp141Ter (NM_001311345.2, NM_001322487.2, NM_001322489.2); c.1395G>A, p.Trp465Ter (NM_001322476.2, NM_001322477.2); c.1296G>A, p.Trp432Ter (NM_001322478.2, NM_001322479.2); c.1134G>A, p.Trp378Ter (NM_001322480.2, NM_001322481.2); c.1035G>A, p.Trp345Ter (NM_001322482.2); c.1026G>A, p.Trp342Ter (NM_001322483.2, NM_001322484.2); c.927G>A, p.Trp309Ter (NM_001322485.2); short protein forms W465*, W345*, W141*, W342*, W378*, W432*, W309*.
Identifiers: ClinVar variation 191013 (VCV000191013.3), dbSNP rs786205464, ClinGen allele CA235817.

ClinVar aggregate classification (germline): Pathogenic. Review status: criteria provided, single submitter (1 of 4 stars). 2 submissions from 1 submitter: Pathogenic (1). 1 of the submissions does not count toward it. Last evaluated 2024-03-17.

Conditions:
Hermansky-Pudlak syndrome 1 (HPS1). Also called: DELTA STORAGE POOL DISEASE. Identifiers: Orphanet 231500, Orphanet 79430, MedGen C2931875, MONDO:0008748, OMIM 203300.

Submissions (2):

Genomic Medicine Center of Excellence, King Faisal Specialist Hospital and Research Centre
Classification: Pathogenic for Hermansky-Pudlak syndrome 1. Last evaluated: 2024-03-17. Review status: criteria provided, single submitter. Criteria: ACMG Guidelines, 2015. Collection method: research. Allele origin: germline.

Genomic Medicine Center of Excellence, King Faisal Specialist Hospital and Research Centre
Classification: Likely pathogenic. Review status: flagged submission. Criteria: ACMG Guidelines, 2015. Collection method: research. Allele origin: germline. Affected: yes. Not counted in ClinVar's aggregate classification.
ClinVar note: Reason: This record appears to be redundant with a more recent record from the same submitter.
ClinVar note: Notes: SCV000221385 appears to be redundant with SCV004804978.